The following is an entry in ClinVar:

NM_012193.4(FZD4):c.1128G>T (p.Leu376Phe)

Genes: FZD4 (frizzled class receptor 4; minus strand), PRSS23 (serine protease 23; plus strand). Cytogenetic location: 11q14.2.
Variant type: single nucleotide variant.
Coding change: c.1128G>T on transcript NM_012193.4 (MANE Select); coding-DNA position 1128, G replaced by T.
Protein change: p.Leu376Phe; replaces leucine 376 with phenylalanine.
Molecular consequence: missense variant. On other transcripts: non-coding transcript variant (2).
Genome position (GRCh38, 1-based): chr11:86,951,628, C>A on the plus strand (G>T on the coding strand, the complement: FZD4 is on the minus strand). VCF-style: chr11-86951628-C-A. GRCh37 (hg19) VCF-style: chr11-86662670-C-A.
Other names: short protein forms L376F.
Identifiers: ClinVar variation 856023 (VCV000856023.8), dbSNP rs773474310, ClinGen allele CA6218376.
Genomic context (GRCh38, chr11:86,951,628, plus strand): 5'-AAAGAGGGGAGCCACCACGAACCCGGTGAGGGCATCGAGATTTTGGTTTCCAACATAGCA[C>A]AAGCCAGTCAGTTCATCTGCATCCACCAGTCTCATAATCAAGATGACAATGGTTTTCACT-3'
Protein context (NP_036325.2, residues 366-386): RLVDADELTG[Leu376Phe]CYVGNQNLDA

ClinVar aggregate classification (germline): Uncertain significance. Review status: criteria provided, single submitter (1 of 4 stars). 2 submissions from 2 submitters: Uncertain significance (1). 1 of the submissions does not count toward it. Last evaluated 2024-11-23.

Conditions:
Retinal dystrophy. Also called: Inherited retinal dystrophy. Identifiers: Orphanet 71862, MedGen C0854723, MeSH D058499, MONDO:0019118, HP:0000556.

Allele frequency attached by ClinVar (database versions not stated): gnomAD 0.00002; gnomAD exomes 0.00003; TOPMed 0.00005; ExAC 0.00008.
gnomAD v4.1: 43 of 1,614,062 alleles (0.0027%); highest among the groups gnomAD compares: Non-Finnish European, 0.0036%; no homozygotes.

Submissions (2):

Labcorp Genetics (formerly Invitae), Labcorp
Classification: Uncertain significance. Last evaluated: 2024-11-23. Review status: criteria provided, single submitter. Criteria: Invitae Variant Classification Sherloc (09022015). Collection method: clinical testing. Allele origin: germline.
Comment: This sequence change replaces leucine, which is neutral and non-polar, with phenylalanine, which is neutral and non-polar, at codon 376 of the FZD4 protein (p.Leu376Phe). The frequency data for this variant in the population databases is considered unreliable, as metrics indicate poor data quality at this position in the gnomAD database. This variant has not been reported in the literature in individuals affected with FZD4-related conditions. ClinVar contains an entry for this variant (Variation ID: 856023). Invitae Evidence Modeling of protein sequence and biophysical properties (such as structural, functional, and spatial information, amino acid conservation, physicochemical variation, residue mobility, and thermodynamic stability) has been performed for this missense variant. However, the output from this modeling did not meet the statistical confidence thresholds required to predict the impact of this variant on FZD4 protein function. In summary, the available evidence is currently insufficient to determine the role of this variant in disease. Therefore, it has been classified as a Variant of Uncertain Significance.

Institute of Human Genetics, Univ. Regensburg, Univ. Regensburg
Classification: Uncertain significance for Retinal dystrophy. Last evaluated: 2022-01-01. Review status: no assertion criteria provided. Criteria: ACMG Guidelines, 2015. Collection method: clinical testing. Allele origin: germline. Affected: yes. Not counted in ClinVar's aggregate classification.